The following is an entry in ClinVar:

NM_058216.3(RAD51C):c.405-1G>C

Gene: RAD51C (RAD51 paralog C; plus strand). Cytogenetic location: 17q22.
Variant type: single nucleotide variant.
Coding change: c.405-1G>C on transcript NM_058216.3 (MANE Select); the canonical splice acceptor site of the intron before coding-DNA position 405, G replaced by C.
Molecular consequence: splice acceptor variant.
Genome position (GRCh38, 1-based): chr17:58,696,692, G>C. VCF-style: chr17-58696692-G-C. GRCh37 (hg19) VCF-style: chr17-56774053-G-C.
Identifiers: ClinVar variation 141823 (VCV000141823.22), dbSNP rs587782036, ClinGen allele CA333229.

ClinVar aggregate classification (germline): Pathogenic/Likely pathogenic. Review status: criteria provided, multiple submitters, no conflicts (2 of 4 stars). 7 submissions from 7 submitters: Pathogenic (1); Likely pathogenic (5). 1 of the submissions does not count toward it. Last evaluated 2025-09-05.

Conditions:
Hereditary cancer-predisposing syndrome. Also called: Neoplastic Syndromes, Hereditary; Hereditary Cancer Syndrome; Hereditary neoplastic syndrome; Tumor predisposition. Identifiers: Orphanet 140162, MedGen C0027672, MeSH D009386, MONDO:0015356.
Breast-ovarian cancer, familial, susceptibility to, 3. Also called: RAD51C-Related Breast/Ovarian Cancer. Identifiers: Orphanet 145, MedGen C3150659, MONDO:0013253, OMIM 613399.
Fanconi anemia complementation group O. Also called: RAD51C-Related Fanconi Anemia. Identifiers: Orphanet 84, MedGen C3150653, MONDO:0013248, OMIM 613390.

Allele frequency attached by ClinVar (database versions not stated): TOPMed below 0.00001.

Submissions (7):

Labcorp Genetics (formerly Invitae), Labcorp
Classification: Pathogenic for Fanconi anemia complementation group O. Last evaluated: 2025-09-05. Review status: criteria provided, single submitter. Criteria: Invitae Variant Classification Sherloc (09022015). Collection method: clinical testing. Allele origin: germline.
Comment: This sequence change affects an acceptor splice site in intron 2 of the RAD51C gene. RNA analysis indicates that disruption of this splice site induces altered splicing and may result in an absent or altered protein product. This variant is not present in population databases (gnomAD no frequency). Disruption of this splice site has been observed in individual(s) with breast cancer (PMID: 32427313). ClinVar contains an entry for this variant (Variation ID: 141823). Studies have shown that disruption of this splice site alters mRNA splicing and is expected to lead to the loss of protein expression (PMID: 35740625; internal data). For these reasons, this variant has been classified as Pathogenic.

Ambry Genetics
Classification: Likely pathogenic for Hereditary cancer-predisposing syndrome. Last evaluated: 2025-05-22. Review status: criteria provided, single submitter. Criteria: Ambry Variant Classification Scheme 2023. Collection method: clinical testing. Allele origin: germline.
Comment: The c.405-1G>C intronic variant results from a G to C substitution one nucleotide upstream from coding exon 3 of the RAD51C gene. This alteration was identified in 2/5054 individuals diagnosed with breast cancer and 0/4993 unaffected individuals (Palmer JR et al. J Natl Cancer Inst, 2020 12;112:1213-1221). This nucleotide position is highly conserved in available vertebrate species. In silico splice site analysis predicts that this alteration will weaken the native splice acceptor site and will result in the creation or strengthening of a novel splice acceptor site; however, direct evidence is insufficient at this time (Ambry internal data). Alterations that disrupt the canonical splice site are expected to cause aberrant splicing, resulting in an abnormal protein or a transcript that is subject to nonsense-mediated mRNA decay. As such, this alteration is classified as likely pathogenic.

Fulgent Genetics
Classification: Likely pathogenic for Fanconi anemia complementation group O; Breast-ovarian cancer, familial, susceptibility to, 3. Last evaluated: 2024-06-13. Review status: criteria provided, single submitter. Criteria: ACMG Guidelines, 2015. Collection method: clinical testing. Allele origin: germline.

Myriad Genetics, Inc.
Classification: Likely pathogenic for Breast-ovarian cancer, familial, susceptibility to, 3. Last evaluated: 2023-04-05. Review status: criteria provided, single submitter. Criteria: Myriad Autosomal Dominant, Autosomal Recessive and X-Linked Classification Criteria (2023). Collection method: clinical testing. Allele origin: unknown.
Comment: This variant is considered likely pathogenic. This variant occurs within a consensus splice junction and is predicted to result in abnormal mRNA splicing of either an out-of-frame exon or an in-frame exon necessary for protein stability and/or normal function.

Baylor Genetics
Classification: Likely pathogenic for Breast-ovarian cancer, familial, susceptibility to, 3. Last evaluated: 2023-04-02. Review status: criteria provided, single submitter. Criteria: ACMG Guidelines, 2015. Collection method: clinical testing. Allele origin: unknown.

GeneDx
Classification: Likely pathogenic. Last evaluated: 2022-10-11. Review status: criteria provided, single submitter. Criteria: GeneDx Variant Classification Process June 2021. Collection method: clinical testing. Allele origin: germline. Affected: yes.
Comment: Not observed at significant frequency in large population cohorts (gnomAD); Observed in individuals with breast cancer (Palmer et al., 2020); Canonical splice site variant predicted to result in a null allele in a gene for which loss of function is a known mechanism of disease; This variant is associated with the following publications: (PMID: 24800917, 21990120, 20400964, 28152038, 32427313)

Counsyl
Classification: Likely pathogenic for Fanconi anemia complementation group O; Breast-ovarian cancer, familial, susceptibility to, 3. Last evaluated: 2016-11-28. Review status: no assertion criteria provided. Collection method: clinical testing. Allele origin: unknown. Not counted in ClinVar's aggregate classification.

Literature cited by the submitters: PubMed 32427313 (cited by Labcorp Genetics (formerly Invitae), Labcorp and Ambry Genetics); PubMed 35740625 (cited by Labcorp Genetics (formerly Invitae), Labcorp).